The following is an entry in ClinVar:

ClinVar aggregate classification (germline): Uncertain significance (1 of 4 stars; one submission).

gnomAD v4.1: 1 of 1,579,510 alleles (0.000063%); highest among the groups gnomAD compares: Non-Finnish European, 0.000086%; no homozygotes.

Submission:

Women's Health and Genetics/Laboratory Corporation of America, LabCorp
Classification: Uncertain significance. Last evaluated: 2026-04-03. Review status: criteria provided, single submitter. Criteria: LabCorp Variant Classification Summary - May 2015. Collection method: clinical testing. Allele origin: germline.
Comment: Variant summary: ASPM c.4440A>C (p.Glu1480Asp) results in a conservative amino acid change in the encoded protein sequence. Algorithms developed to predict the effect of missense changes on protein structure and function all suggest that this variant is likely to be tolerated. The variant was absent in 224442 control chromosomes. The available data on variant occurrences in the general population are insufficient to allow any conclusion about variant significance. To our knowledge, no occurrence of c.4440A>C in individuals affected with ASPM-related conditions and no experimental evidence demonstrating its impact on protein function have been reported. No submitters have cited clinical-significance assessments for this variant to ClinVar. Based on the evidence outlined above, the variant was classified as uncertain significance.

NM_018136.5(ASPM):c.4440A>C (p.Glu1480Asp)

Gene: ASPM (assembly factor for spindle microtubules; minus strand). Cytogenetic location: 1q31.3.
Variant type: single nucleotide variant.
Coding change: c.4440A>C on transcript NM_018136.5 (MANE Select); coding-DNA position 4440, A replaced by C.
Protein change: p.Glu1480Asp; replaces glutamic acid 1480 with aspartic acid.
Molecular consequence: missense variant. On other transcripts: intron variant (1).
Genome position (GRCh38, 1-based): chr1:197,104,811, T>G on the plus strand (A>C on the coding strand, the complement: ASPM is on the minus strand). VCF-style: chr1-197104811-T-G. GRCh37 (hg19) VCF-style: chr1-197073941-T-G.
Other names: c.4066-8647A>C (NM_001206846.2); short protein forms E1480D.
Identifiers: ClinVar variation 4848921 (VCV004848921.1).